The following is an entry in ClinVar:

NM_001754.5(RUNX1):c.-62G>A

Gene: RUNX1 (RUNX family transcription factor 1; minus strand). Cytogenetic location: 21q22.12.
Variant type: single nucleotide variant.
Coding change: c.-62G>A on transcript NM_001754.5 (MANE Select); 62 bases upstream of the start codon, G replaced by A.
Molecular consequence: 5 prime UTR variant.
Genome position (GRCh38, 1-based): chr21:35,049,170, C>T on the plus strand (G>A on the coding strand, the complement: RUNX1 is on the minus strand). VCF-style: chr21-35049170-C-T. GRCh37 (hg19) VCF-style: chr21-36421467-C-T.
Identifiers: ClinVar variation 898916 (VCV000898916.5), dbSNP rs550878860, ClinGen allele CA1139666857.

ClinVar aggregate classification (germline): Likely benign. Review status: reviewed by expert panel (3 of 4 stars). 2 submissions from 2 submitters: Likely benign (1). 1 of the submissions does not count toward it. Last evaluated 2025-02-25.

Conditions:
Hereditary thrombocytopenia and hematologic cancer predisposition syndrome. Identifiers: Orphanet 71290, MedGen CN281654, MONDO:0011071.
Hereditary thrombocytopenia and hematological cancer predisposition syndrome associated with RUNX1. Also called: PLATELET DISORDER, ASPIRIN-LIKE; RUNX1 Familial Platelet Disorder with Associated Myeloid Malignancies; Familial Platelet Disorder with Propensity to Acute Myelogenous Leukemia; Familial thrombocytopenia with propensity to acute myelogenous leukemia. Identifiers: Orphanet 71290, MedGen C1832388, MeSH C563324, MONDO:0100083, OMIM 601399.

Allele frequency attached by ClinVar (database versions not stated): TOPMed below 0.00001; gnomAD exomes 0.00001.
gnomAD v4.1: 2 of 473,538 alleles (0.00042%); highest among the groups gnomAD compares: African/African-American, 0.002%; no homozygotes.

Submissions (2):

ClinGen Myeloid Malignancy Variant Curation Expert Panel
Classification: Likely benign for Hereditary thrombocytopenia and hematologic cancer predisposition syndrome. Last evaluated: 2025-02-25. Review status: reviewed by expert panel. Criteria: ClinGen MyeloMalig ACMG Specifications v2. Collection method: curation. Allele origin: germline. Inheritance: Autosomal dominant inheritance.
Comment: NM_001754.5(RUNX1):c.-62G>A is an intronic variant which has a SpliceAI score ≤ 0.20 (0.16) (BP4). This variant has a SpliceAI score ≤ 0.20 (0.16) and evolutionary conservation prediction algorithms predict the site as not being conserved (PhyloP score ≤ 2.0 (1.18) (BP7). This variant is completely absent from all population databases with at least 20x coverage for RUNX1 (PM2_Supporting). In summary, this variant meets criteria to be classified as likely benign. ACMG/AMP criteria applied, as specified by the Myeloid Malignancy Variant Curation Expert Panel for RUNX1: BP4, BP7, PM2_supporting.

Illumina Laboratory Services, Illumina
Classification: Uncertain significance for Hereditary thrombocytopenia and hematological cancer predisposition syndrome associated with RUNX1. Last evaluated: 2018-01-12. Review status: criteria provided, single submitter. Criteria: ICSL Variant Classification Criteria 13 December 2019. Collection method: clinical testing. Allele origin: germline. Not counted in ClinVar's aggregate classification.